The following is an entry in ClinVar:

NM_207361.6(FREM2):c.2977dup (p.Glu993fs)

Gene: FREM2 (FRAS1 related extracellular matrix 2; plus strand). Cytogenetic location: 13q13.3.
Variant type: Duplication.
Coding change: c.2977dup on transcript NM_207361.6 (MANE Select); coding-DNA position 2977, one base duplicated (G; older notation c.2977dupG).
Protein change: p.Glu993fs; shifts the reading frame from glutamic acid 993.
Molecular consequence: frameshift variant.
Genome position (GRCh38, 1-based): chr13:38,690,321, G duplicated; the last of 4 consecutive G bases (chr13:38,690,318-38,690,321); duplicating any one gives the same sequence. VCF-style (leftmost placement, unchanged base first): chr13-38690317-T-TG. GRCh37 (hg19) VCF-style: chr13-39264454-T-TG.
Other names: short protein forms E993fs.
Identifiers: ClinVar variation 2635246 (VCV002635246.1), dbSNP rs1290466457, ClinGen allele CA697895819.

ClinVar aggregate classification (germline): Likely pathogenic (1 of 4 stars; one submission).

Conditions:
FREM2-related disorder. Also called: FREM2-related condition.

Submission:

PreventionGenetics, part of Exact Sciences
Classification: Likely pathogenic for FREM2-related condition. Last evaluated: 2023-05-13. Review status: criteria provided, single submitter. Criteria: ACMG Guidelines, 2015. Collection method: clinical testing. Allele origin: germline.
Comment: The FREM2 c.2977dupG variant is predicted to result in a frameshift and premature protein termination (p.Glu993Glyfs*30). To our knowledge, this variant has not been reported in the literature or in a large population database, indicating this variant is rare. Frameshift variants in FREM2 are expected to be pathogenic. This variant is interpreted as likely pathogenic.